The following is an entry in ClinVar:

ClinVar aggregate classification (germline): Uncertain significance (1 of 4 stars; one submission).

Conditions:
ABCA3-related disorder. Also called: ABCA3-related condition.

gnomAD v4.1: 135 of 1,613,706 alleles (0.0084%); highest among the groups gnomAD compares: Middle Eastern, 0.067%; no homozygotes.

Submission:

PreventionGenetics, part of Exact Sciences
Classification: Uncertain significance for ABCA3-related condition. Last evaluated: 2025-07-13. Review status: criteria provided, single submitter. Criteria: ACMG Guidelines, 2015. Collection method: clinical testing. Allele origin: germline.
Comment: The ABCA3 c.1765C>T variant is predicted to result in the amino acid substitution p.Arg589Trp. To our knowledge, this variant has not been reported in the literature. This variant is reported in 0.039% of alleles in individuals of South Asian descent in gnomAD. At this time, the clinical significance of this variant is uncertain due to the absence of conclusive functional and genetic evidence.

NM_001089.3(ABCA3):c.1765C>T (p.Arg589Trp)

Gene: ABCA3 (ATP binding cassette subfamily A member 3; minus strand). Cytogenetic location: 16p13.3.
Variant type: single nucleotide variant.
Coding change: c.1765C>T on transcript NM_001089.3 (MANE Select); coding-DNA position 1765, C replaced by T.
Protein change: p.Arg589Trp; replaces arginine 589 with tryptophan.
Molecular consequence: missense variant.
Genome position (GRCh38, 1-based): chr16:2,298,517, G>A on the plus strand (C>T on the coding strand, the complement: ABCA3 is on the minus strand). VCF-style: chr16-2298517-G-A. GRCh37 (hg19) VCF-style: chr16-2348518-G-A.
Other names: short protein forms R589W.
Identifiers: ClinVar variation 4980639 (VCV004980639.1).
Genomic context (GRCh38, chr16:2,298,517, plus strand): 5'-CCAGGCTCTTCCGGATCTGAACCATGTCCTGGGAAATTTCATACCCGCTGATGTATGCCC[G>A]TCCACTGGTGGGGGGAAAGAGACCTGGGGCCCAGCAGGAGACCCCACATTCAGCATGAAG-3'
Protein context (NP_001080.2, residues 579-599): LTGLFPPTSG[Arg589Trp]AYISGYEISQ